The following is an entry in ClinVar:

ClinVar aggregate classification (germline): Uncertain significance (1 of 4 stars; one submission).

Conditions:
Episodic kinesigenic dyskinesia (EKD). Also called: Paroxysmal kinesigenic dyskinesia. Identifiers: Orphanet 98809, MedGen C1868682, MONDO:0044202.

Allele frequency attached by ClinVar (database versions not stated): gnomAD exomes below 0.00001.
gnomAD v4.1: 6 of 1,613,450 alleles (0.00037%); highest among the groups gnomAD compares: Non-Finnish European, 0.00042%; no homozygotes.

Submission:

Labcorp Genetics (formerly Invitae), Labcorp
Classification: Uncertain significance for Episodic kinesigenic dyskinesia. Last evaluated: 2021-08-17. Review status: criteria provided, single submitter. Criteria: Invitae Variant Classification Sherloc (09022015). Collection method: clinical testing. Allele origin: germline.
Comment: This sequence change replaces glycine with glutamic acid at codon 182 of the PRRT2 protein (p.Gly182Glu). The glycine residue is highly conserved and there is a moderate physicochemical difference between glycine and glutamic acid. This variant is not present in population databases (ExAC no frequency). This variant has not been reported in the literature in individuals affected with PRRT2-related conditions. Algorithms developed to predict the effect of missense changes on protein structure and function are either unavailable or do not agree on the potential impact of this missense change (SIFT: "Deleterious"; PolyPhen-2: "Probably Damaging"; Align-GVGD: "Class C0"). In summary, the available evidence is currently insufficient to determine the role of this variant in disease. Therefore, it has been classified as a Variant of Uncertain Significance.

NM_145239.3(PRRT2):c.545G>A (p.Gly182Glu)

Genes: MVP-DT (MVP divergent transcript; minus strand), PRRT2 (proline rich transmembrane protein 2; plus strand). Cytogenetic location: 16p11.2.
Variant type: single nucleotide variant.
Coding change: c.545G>A on transcript NM_145239.3 (MANE Select); coding-DNA position 545, G replaced by A.
Protein change: p.Gly182Glu; replaces glycine 182 with glutamic acid.
Molecular consequence: missense variant.
Genome position (GRCh38, 1-based): chr16:29,813,599, G>A. VCF-style: chr16-29813599-G-A. GRCh37 (hg19) VCF-style: chr16-29824920-G-A.
Other names: c.545G>A, p.Gly182Glu (NM_001256442.2, NM_001256443.2); short protein forms G182E.
Identifiers: ClinVar variation 1395866 (VCV001395866.6), dbSNP rs2142425204, ClinGen allele CA395478929.
Genomic context (GRCh38, chr16:29,813,599, plus strand): 5'-CCCAGGAGGACCCCACCCCTGAGATTCTGTCTGAGAGTGTAGGGGAAAAGCAAGAGAATG[G>A]GGCAGTGGTGCCCCTGCAGGCTGGTGATGGGGAAGAGGGCCCAGCCCCTGAGCCTCACTC-3'
Protein context (NP_660282.2, residues 172-192): SESVGEKQEN[Gly182Glu]AVVPLQAGDG